The following is an entry in ClinVar:

NM_002203.4(ITGA2):c.*35A>C

Gene: ITGA2 (integrin subunit alpha 2; plus strand). Cytogenetic location: 5q11.2.
Variant type: single nucleotide variant.
Coding change: c.*35A>C on transcript NM_002203.4 (MANE Select); 35 bases downstream of the stop codon, A replaced by C.
Molecular consequence: 3 prime UTR variant. On other transcripts: non-coding transcript variant (5).
Genome position (GRCh38, 1-based): chr5:53,090,634, A>C. VCF-style: chr5-53090634-A-C. GRCh37 (hg19) VCF-style: chr5-52386464-A-C.
Identifiers: ClinVar variation 353784 (VCV000353784.6), dbSNP rs113222066, ClinGen allele CA3263556.

ClinVar aggregate classification (germline): Benign. Review status: criteria provided, multiple submitters, no conflicts (2 of 4 stars). 2 submissions from 2 submitters: Benign (2). Last evaluated 2018-01-13.

Conditions:
Platelet-type bleeding disorder 9 (BDPLT9). Also called: GLYCOPROTEIN Ia DEFICIENCY; GP Ia DEFICIENCY; COLLAGEN PLATELET RECEPTOR DEFICIENCY. Identifiers: Orphanet 73271, Orphanet 98886, MedGen C3280114, MONDO:0013622, OMIM 614200.

Allele frequency attached by ClinVar (database versions not stated): 1000 Genomes Project 30x 0.00312; 1000 Genomes Project 0.00339; gnomAD exomes 0.00760 and 0.01289; TOPMed 0.00787; ExAC 0.00793; gnomAD 0.00839 and 0.00866; ESP Exome Variant Server 0.01046.
gnomAD v4.1: 19,127 of 1,542,582 alleles (1.2%); highest among the groups gnomAD compares: Non-Finnish European, 1.6%; 163 homozygotes.

Submissions (2):

Illumina Laboratory Services, Illumina
Classification: Benign for Platelet-type bleeding disorder 9. Last evaluated: 2018-01-13. Review status: criteria provided, single submitter. Criteria: ICSL Variant Classification Criteria 13 December 2019. Collection method: clinical testing. Allele origin: germline.
Comment: This variant was observed in the ICSL laboratory as part of a predisposition screen in an ostensibly healthy population. It had not been previously curated by ICSL or reported in the Human Gene Mutation Database (HGMD: prior to June 1st, 2018), and was therefore a candidate for classification through an automated scoring system. Utilizing variant allele frequency, disease prevalence and penetrance estimates, and inheritance mode, an automated score was calculated to assess if this variant is too frequent to cause the disease. Based on the score and internal cut-off values, a variant classified as benign is not then subjected to further curation. The score for this variant resulted in a classification of benign for this disease.

Breakthrough Genomics
Classification: Benign. Review status: criteria provided, single submitter. Criteria: ACMG Guidelines, 2015. Collection method: not provided. Allele origin: germline. Inheritance: Unknown mechanism. Affected: yes.